The following is an entry in ClinVar:

ClinVar aggregate classification (germline): Uncertain significance (1 of 4 stars; one submission).

gnomAD v4.1: 5 of 1,613,934 alleles (0.00031%); highest among the groups gnomAD compares: Non-Finnish European, 0.00042%; no homozygotes.

Submission:

Mayo Clinic Laboratories, Mayo Clinic
Classification: Uncertain significance. Last evaluated: 2025-09-23. Review status: criteria provided, single submitter. Criteria: ACMG Guidelines, 2015. Collection method: clinical testing. Allele origin: germline. Observed: 1 variant allele.
Comment: BP4_moderate, PM2_supporting

NM_004174.4(SLC9A3):c.724G>A (p.Val242Met)

Gene: SLC9A3 (solute carrier family 9 member A3). Cytogenetic location: 5p15.33.
Variant type: single nucleotide variant.
Coding change: c.724G>A on transcript NM_004174.4 (MANE Select); coding-DNA position 724, G replaced by A.
Protein change: p.Val242Met; replaces valine 242 with methionine.
Molecular consequence: missense variant.
Genome position (GRCh38, 1-based): chr5:485,183, C>T on the plus strand (G>A on the coding strand, the complement: SLC9A3 is on the minus strand). VCF-style: chr5-485183-C-T. GRCh37 (hg19) VCF-style: chr5-485298-C-T.
Other names: p.Val242Met; c.724G>A, p.Val242Met (NM_001284351.3); short protein forms V242M.
Identifiers: ClinVar variation 4541029 (VCV004541029.1).
Genomic context (GRCh38, chr5:485,183, plus strand): 5'-GCCCACTCCCCCTGACCCACAGCTACACACCTATGCCCTTCACGCAGTCCACGCCAGTCA[C>T]GTTGTCACCTCCCAGCGCCACGAAAGATTCAAACACATTGTACAGAACCTGCAGGGAAAA-3'
Protein context (NP_004165.2, residues 232-252): ESFVALGGDN[Val242Met]TGVDCVKGIV